The following is an entry in ClinVar:

ClinVar aggregate classification (germline): Likely pathogenic (1 of 4 stars; one submission).

Conditions:
Dilated cardiomyopathy 1G (CMD1G). Identifiers: Orphanet 154, MedGen C1858763, MONDO:0011400, OMIM 604145.
Autosomal recessive limb-girdle muscular dystrophy type 2J (LGMDR10). Also called: Limb-girdle muscular dystrophy, type 2J; MUSCULAR DYSTROPHY, LIMB-GIRDLE, AUTOSOMAL RECESSIVE 10. Identifiers: Orphanet 140922, MedGen C1837342, MONDO:0012127, OMIM 608807.

Submission:

Labcorp Genetics (formerly Invitae), Labcorp
Classification: Likely pathogenic for Dilated cardiomyopathy 1G; Autosomal recessive limb-girdle muscular dystrophy type 2J. Last evaluated: 2023-03-31. Review status: criteria provided, single submitter. Criteria: Invitae Variant Classification Sherloc (09022015). Collection method: clinical testing. Allele origin: germline.
Comment: This sequence change creates a premature translational stop signal (p.Arg28918Serfs*6) in the TTN gene. While this is not anticipated to result in nonsense mediated decay, it is expected to create a truncated TTN protein. This variant is not present in population databases (gnomAD no frequency). This variant has not been reported in the literature in individuals affected with TTN-related conditions. This variant is located in the A band of TTN (PMID: 25589632). Truncating variants in this region are significantly overrepresented in patients affected with dilated cardiomyopathy (PMID: 25589632). Truncating variants in this region have also been reported in individuals affected with autosomal recessive centronuclear myopathy (PMID: 23975875). In summary, the currently available evidence indicates that the variant is pathogenic, but additional data are needed to prove that conclusively. Therefore, this variant has been classified as Likely Pathogenic.

Literature cited by the submitters: PubMed 25589632; PubMed 23975875.

NM_001267550.2(TTN):c.86754_86755del (p.Arg28918fs)

Genes: TTN (titin; minus strand), TTN-AS1 (TTN antisense RNA 1; plus strand). Cytogenetic location: 2q31.2.
Variant type: Microsatellite.
Coding change: c.86754_86755del on transcript NM_001267550.2 (MANE Select); coding-DNA positions 86754 to 86755, 2 bases deleted (AG; older notation c.86754_86755delAG).
Protein change: p.Arg28918fs; shifts the reading frame from arginine 28918.
Molecular consequence: frameshift variant.
Genome position (GRCh38, 1-based): chr2:178,559,377-178,559,378, CT deleted on the plus strand (AG on the coding strand, the reverse complement: TTN is on the minus strand); deleting any 2 consecutive bases within chr2:178,559,377-178,559,380 gives the same sequence; the c. name uses the placement nearest the transcript's 3' end. VCF-style (leftmost placement, unchanged base first): chr2-178559376-ACT-A. GRCh37 (hg19) VCF-style: chr2-179424103-ACT-A.
Other names: c.81831_81832del, p.Arg27277fs (NM_001256850.1); c.59559_59560del, p.Arg19853fs (NM_003319.4); c.79050_79051del, p.Arg26350fs (NM_133378.4); c.59934_59935del, p.Arg19978fs (NM_133432.3); c.60135_60136del, p.Arg20045fs (NM_133437.4); short protein forms R20045fs, R28918fs, R19853fs, R19978fs, R26350fs, R27277fs.
Identifiers: ClinVar variation 2946015 (VCV002946015.3), dbSNP rs2469615872, ClinGen allele CA2740096011.